The following is an entry in ClinVar:

NM_203447.4(DOCK8):c.625C>T (p.Arg209Trp)

Gene: DOCK8 (dedicator of cytokinesis 8; plus strand). Cytogenetic location: 9p24.3.
Variant type: single nucleotide variant.
Coding change: c.625C>T on transcript NM_203447.4 (MANE Select); coding-DNA position 625, C replaced by T.
Protein change: p.Arg209Trp; replaces arginine 209 with tryptophan.
Molecular consequence: missense variant.
Genome position (GRCh38, 1-based): chr9:312,050, C>T. VCF-style: chr9-312050-C-T. GRCh37 (hg19) VCF-style: chr9-312050-C-T.
Other names: c.421C>T, p.Arg141Trp (NM_001190458.2, NM_001193536.2); short protein forms R141W, R209W.
Identifiers: ClinVar variation 2741894 (VCV002741894.2), dbSNP rs766282048, ClinGen allele CA4957339.

ClinVar aggregate classification (germline): Uncertain significance (1 of 4 stars; one submission).

Allele frequency attached by ClinVar (database versions not stated): ExAC 0.00002.

Submission:

Labcorp Genetics (formerly Invitae), Labcorp
Classification: Uncertain significance for Combined immunodeficiency due to DOCK8 deficiency. Last evaluated: 2023-06-25. Review status: criteria provided, single submitter. Criteria: Invitae Variant Classification Sherloc (09022015). Collection method: clinical testing. Allele origin: germline.
Comment: Advanced modeling of protein sequence and biophysical properties (such as structural, functional, and spatial information, amino acid conservation, physicochemical variation, residue mobility, and thermodynamic stability) performed at Invitae indicates that this missense variant is not expected to disrupt DOCK8 protein function. This sequence change replaces arginine, which is basic and polar, with tryptophan, which is neutral and slightly polar, at codon 209 of the DOCK8 protein (p.Arg209Trp). This variant is present in population databases (rs766282048, gnomAD 0.02%). This variant has not been reported in the literature in individuals affected with DOCK8-related conditions. In summary, the available evidence is currently insufficient to determine the role of this variant in disease. Therefore, it has been classified as a Variant of Uncertain Significance.